The following is an entry in ClinVar:

NM_012338.4(TSPAN12):c.150G>T (p.Arg50Ser)

Gene: TSPAN12 (tetraspanin 12; minus strand). Cytogenetic location: 7q31.31.
Variant type: single nucleotide variant.
Coding change: c.150G>T on transcript NM_012338.4 (MANE Select); coding-DNA position 150, G replaced by T.
Protein change: p.Arg50Ser; replaces arginine 50 with serine.
Molecular consequence: missense variant.
Genome position (GRCh38, 1-based): chr7:120,838,912, C>A on the plus strand (G>T on the coding strand, the complement: TSPAN12 is on the minus strand). VCF-style: chr7-120838912-C-A. GRCh37 (hg19) VCF-style: chr7-120478966-C-A.
Other names: short protein forms R50S.
Identifiers: ClinVar variation 2006430 (VCV002006430.5), dbSNP rs759302851, ClinGen allele CA369141453.

ClinVar aggregate classification (germline): Uncertain significance (1 of 4 stars; one submission).

gnomAD v4.1: 1 of 1,613,696 alleles (0.000062%); no homozygotes.

Submissions (2):

Labcorp Genetics (formerly Invitae), Labcorp
Classification: Uncertain significance. Last evaluated: 2022-06-24. Review status: criteria provided, single submitter. Criteria: Invitae Variant Classification Sherloc (09022015). Collection method: clinical testing. Allele origin: germline.
Comment: In summary, the available evidence is currently insufficient to determine the role of this variant in disease. Therefore, it has been classified as a Variant of Uncertain Significance. Algorithms developed to predict the effect of sequence changes on RNA splicing suggest that this variant may create or strengthen a splice site. Algorithms developed to predict the effect of missense changes on protein structure and function are either unavailable or do not agree on the potential impact of this missense change (SIFT: "Deleterious"; PolyPhen-2: "Benign"; Align-GVGD: "Class C0"). This variant has not been reported in the literature in individuals affected with TSPAN12-related conditions. This variant is not present in population databases (gnomAD no frequency). This sequence change replaces arginine, which is basic and polar, with serine, which is neutral and polar, at codon 50 of the TSPAN12 protein (p.Arg50Ser).

Dr. Peter K. Rogan Lab, Western University
No classification provided (evidence only). Condition: Malignant tumor of urinary bladder. Review status: no classification provided. Collection method: in vitro. Allele origin: not applicable. Functional consequence: retained intron. Not counted in ClinVar's aggregate classification.